The following is an entry in ClinVar:

ClinVar aggregate classification (germline): Benign/Likely benign. Review status: criteria provided, multiple submitters, no conflicts (2 of 4 stars). 16 submissions from 16 submitters: Benign (9); Likely benign (4). 3 of the submissions do not count toward it. Last evaluated 2026-09-01.

Conditions:
Fanconi anemia (FA). Also called: Fanconi's anemia. Identifiers: Orphanet 84, MedGen C0015625, MeSH D005199, MONDO:0019391.
Fanconi anemia complementation group F. Also called: FANCF-Related Fanconi Anemia. Identifiers: Orphanet 84, MedGen C3469526, MONDO:0011325, OMIM 603467.

Allele frequency attached by ClinVar (database versions not stated): 1000 Genomes Project 0.00499; 1000 Genomes Project 30x 0.00562; gnomAD 0.01139 and 0.01158; TOPMed 0.01167; gnomAD exomes 0.01262 and 0.01617; ExAC 0.01264; ESP Exome Variant Server 0.01315.

Submissions (16):

CeGaT Center for Human Genetics Tuebingen
Classification: Benign. Last evaluated: 2026-09-01. Review status: criteria provided, single submitter. Criteria: CeGaT Center For Human Genetics Tuebingen Variant Classification Criteria Version 2. Collection method: clinical testing. Allele origin: germline. Affected: yes. Observed: 166 variant alleles.
Comment: FANCF: BP4, BS1, BS2

Labcorp Genetics (formerly Invitae), Labcorp
Classification: Benign for Fanconi anemia. Last evaluated: 2026-02-04. Review status: criteria provided, single submitter. Criteria: Invitae Variant Classification Sherloc (09022015). Collection method: clinical testing. Allele origin: germline.

Dasa
Classification: Benign. Last evaluated: 2025-10-29. Review status: criteria provided, single submitter. Criteria: DASA Assertion Criteria. Collection method: clinical testing. Allele origin: germline.
Comment: NM_022725.4(FANCF):c.959C>T (p.Pro320Leu) is interpreted as benign based on a combination of available evidence, which may include population frequency, observations in unaffected individuals, intact protein function, lack of segregation with disease, in silico models, amino acid conservation, lack of disease association in case-control studies, and/or inconsistency with the known disease mechanism or impacted region. Based on the available data, this variant is classified as benign.

Mayo Clinic Laboratories, Mayo Clinic
Classification: Likely benign. Last evaluated: 2025-09-16. Review status: criteria provided, single submitter. Criteria: ACMG Guidelines, 2015. Collection method: clinical testing. Allele origin: germline. Observed: 1 variant allele.
Comment: BS1, BP4_moderate

ARUP Laboratories, Molecular Genetics and Genomics, ARUP Laboratories
Classification: Benign for Fanconi anemia complementation group F. Last evaluated: 2025-02-28. Review status: criteria provided, single submitter. Criteria: ARUP Molecular Germline Variant Investigation Process 2024. Collection method: clinical testing. Allele origin: germline.

Blueprint Genetics
Classification: Benign. Last evaluated: 2024-11-27. Review status: criteria provided, single submitter. Criteria: ACMG Guidelines, 2015. Collection method: clinical testing. Allele origin: germline.

KCCC/NGS Laboratory, Kuwait Cancer Control Center
Classification: Benign for Fanconi anemia complementation group F. Last evaluated: 2023-07-07. Review status: criteria provided, single submitter. Criteria: ACMG Guidelines, 2015. Collection method: clinical testing. Allele origin: germline. Affected: yes.

Women's Health and Genetics/Laboratory Corporation of America, LabCorp
Classification: Likely benign. Last evaluated: 2022-02-18. Review status: criteria provided, single submitter. Criteria: LabCorp Variant Classification Summary - May 2015. Collection method: clinical testing. Allele origin: germline.

GeneDx
Classification: Likely benign. Last evaluated: 2020-10-08. Review status: criteria provided, single submitter. Criteria: GeneDx Variant Classification Process June 2021. Collection method: clinical testing. Allele origin: germline. Affected: yes.
Comment: This variant is associated with the following publications: (PMID: 28202063)

Sema4
Classification: Benign for Fanconi anemia. Last evaluated: 2020-09-01. Review status: criteria provided, single submitter. Criteria: Sema4 Curation Guidelines. Collection method: curation. Allele origin: germline.

Illumina Laboratory Services, Illumina
Classification: Benign for Fanconi anemia complementation group F. Last evaluated: 2018-01-12. Review status: criteria provided, single submitter. Criteria: ICSL Variant Classification Criteria 13 December 2019. Collection method: clinical testing. Allele origin: germline.
Comment: This variant was observed in the ICSL laboratory as part of a predisposition screen in an ostensibly healthy population. It had not been previously curated by ICSL or reported in the Human Gene Mutation Database (HGMD: prior to June 1st, 2018), and was therefore a candidate for classification through an automated scoring system. Utilizing variant allele frequency, disease prevalence and penetrance estimates, and inheritance mode, an automated score was calculated to assess if this variant is too frequent to cause the disease. Based on the score and internal cut-off values, a variant classified as benign is not then subjected to further curation. The score for this variant resulted in a classification of benign for this disease.

Breakthrough Genomics
Classification: Likely benign. Review status: criteria provided, single submitter. Criteria: ACMG Guidelines, 2015. Collection method: not provided. Allele origin: germline. Inheritance: Autosomal recessive inheritance. Affected: yes.

PreventionGenetics, part of Exact Sciences
Classification: Benign. Review status: criteria provided, single submitter. Criteria: ACMG Guidelines, 2015. Collection method: clinical testing. Allele origin: germline.

ITMI
No classification provided. Condition: AllHighlyPenetrant. Last evaluated: 2013-09-19. Review status: no classification provided. Collection method: reference population. Allele origin: germline. Not counted in ClinVar's aggregate classification.
Comment: Please see associated publication for description of ethnicities

Genome Diagnostics Laboratory, Amsterdam University Medical Center
Classification: Benign. Review status: no assertion criteria provided. Collection method: clinical testing. Allele origin: germline. Affected: yes. Study: VKGL Data-share Consensus. Not counted in ClinVar's aggregate classification.

Laboratory of Diagnostic Genome Analysis, Leiden University Medical Center (LUMC)
Classification: Likely benign. Review status: no assertion criteria provided. Collection method: clinical testing. Allele origin: germline. Affected: yes. Study: VKGL Data-share Consensus. Not counted in ClinVar's aggregate classification.

Literature cited by the submitters: PubMed 24728327 (cited by ITMI).

NM_022725.4(FANCF):c.959C>T (p.Pro320Leu)

Genes: FANCF (FA complementation group F; minus strand), LOC130005443 (ATAC-STARR-seq lymphoblastoid active region 4533; plus strand). Cytogenetic location: 11p14.3.
Variant type: single nucleotide variant.
Coding change: c.959C>T on transcript NM_022725.4 (MANE Select); coding-DNA position 959, C replaced by T.
Protein change: p.Pro320Leu; replaces proline 320 with leucine.
Molecular consequence: missense variant.
Genome position (GRCh38, 1-based): chr11:22,624,852, G>A on the plus strand (C>T on the coding strand, the complement: FANCF is on the minus strand). VCF-style: chr11-22624852-G-A. GRCh37 (hg19) VCF-style: chr11-22646398-G-A.
Other names: short protein forms P320L.
Identifiers: ClinVar variation 134351 (VCV000134351.52), dbSNP rs45451294, ClinGen allele CA159572.